The following is an entry in ClinVar:

NM_021232.1(PRODH2):c.104C>T (p.Ala35Val)

Gene: PRODH2 (proline dehydrogenase 2; minus strand). Cytogenetic location: 19q13.12.
Variant type: single nucleotide variant.
Coding change: c.104C>T on transcript NM_021232.1; coding-DNA position 104, C replaced by T.
Protein change: p.Ala35Val; replaces alanine 35 with valine.
Genome position (GRCh38, 1-based): chr19:35,813,178, G>A on the plus strand (C>T on the coding strand, the complement: PRODH2 is on the minus strand). VCF-style: chr19-35813178-G-A. GRCh37 (hg19) VCF-style: chr19-36304080-G-A.
Other names: short protein forms A35V.
Identifiers: ClinVar variation 3053337 (VCV003053337.2), dbSNP rs61995739, ClinGen allele CA9389621.

ClinVar aggregate classification (germline): Likely benign (0 of 4 stars; one submission).

Conditions:
PRODH2-related disorder. Also called: PRODH2-related condition.

Allele frequency attached by ClinVar (database versions not stated): ExAC 0.00058; TOPMed 0.00220; 1000 Genomes Project 30x 0.00125; 1000 Genomes Project 0.00140; gnomAD exomes 0.00020; gnomAD 0.00186; ESP Exome Variant Server 0.00223.

Submission:

PreventionGenetics, part of Exact Sciences
Classification: Likely benign for PRODH2-related condition. Last evaluated: 2019-08-21. Review status: no assertion criteria provided. Collection method: clinical testing. Allele origin: germline.
Comment: This variant is classified as likely benign based on ACMG/AMP sequence variant interpretation guidelines (Richards et al. 2015 PMID: 25741868, with internal and published modifications).